The following is an entry in ClinVar:

ClinVar aggregate classification (germline): Pathogenic (1 of 4 stars; one submission).

Conditions:
Short-rib thoracic dysplasia 10 with or without polydactyly (SRTD10). Identifiers: Orphanet 474, MedGen C3810175, MONDO:0014284, OMIM 615630.
Retinitis pigmentosa 71 (RP71). Identifiers: Orphanet 791, MedGen C4225342, MONDO:0014618, OMIM 616394.

Allele frequency attached by ClinVar (database versions not stated): gnomAD exomes below 0.00001.
gnomAD v4.1: 1 of 1,614,032 alleles (0.000062%); highest among the groups gnomAD compares: East Asian, 0.0022%; no homozygotes.

Submission:

Labcorp Genetics (formerly Invitae), Labcorp
Classification: Pathogenic for Retinitis pigmentosa 71; Short-rib thoracic dysplasia 10 with or without polydactyly. Last evaluated: 2023-12-10. Review status: criteria provided, single submitter. Criteria: Invitae Variant Classification Sherloc (09022015). Collection method: clinical testing. Allele origin: germline.
Comment: This sequence change creates a premature translational stop signal (p.Gln1548*) in the IFT172 gene. It is expected to result in an absent or disrupted protein product. Loss-of-function variants in IFT172 are known to be pathogenic (PMID: 24140113). This variant is not present in population databases (gnomAD no frequency). This variant has not been reported in the literature in individuals affected with IFT172-related conditions. Algorithms developed to predict the effect of sequence changes on RNA splicing suggest that this variant may disrupt the consensus splice site. For these reasons, this variant has been classified as Pathogenic.

Literature cited by the submitters: PubMed 24140113.

NM_015662.3(IFT172):c.4642C>T (p.Gln1548Ter)

Gene: IFT172 (intraflagellar transport 172; minus strand). Cytogenetic location: 2p23.3.
Variant type: single nucleotide variant.
Coding change: c.4642C>T on transcript NM_015662.3 (MANE Select); coding-DNA position 4642, C replaced by T.
Protein change: p.Gln1548Ter; replaces glutamine 1548 with a stop codon.
Molecular consequence: nonsense.
Genome position (GRCh38, 1-based): chr2:27,447,532, G>A on the plus strand (C>T on the coding strand, the complement: IFT172 is on the minus strand). VCF-style: chr2-27447532-G-A. GRCh37 (hg19) VCF-style: chr2-27670399-G-A.
Other names: c.4576C>T, p.Gln1526Ter (NM_001410739.1); short protein forms Q1526*, Q1548*.
Identifiers: ClinVar variation 2921304 (VCV002921304.3), dbSNP rs2465802780, ClinGen allele CA346416488.